The following is an entry in ClinVar:

NM_198334.3(GANAB):c.32G>A (p.Arg11Lys)

Gene: GANAB (glucosidase II alpha subunit; minus strand). Cytogenetic location: 11q12.3.
Variant type: single nucleotide variant.
Coding change: c.32G>A on transcript NM_198334.3 (MANE Select); coding-DNA position 32, G replaced by A.
Protein change: p.Arg11Lys; replaces arginine 11 with lysine.
Molecular consequence: missense variant. On other transcripts: 5 prime UTR variant (3).
Genome position (GRCh38, 1-based): chr11:62,646,568, C>T on the plus strand (G>A on the coding strand, the complement: GANAB is on the minus strand). VCF-style: chr11-62646568-C-T. GRCh37 (hg19) VCF-style: chr11-62414040-C-T.
Other names: c.32G>A, p.Arg11Lys (NM_001278192.2, NM_001278193.2, NM_198335.4); c.-151G>A (NM_001278194.2); c.-256G>A (NM_001329223.2); c.-745G>A (NM_001329225.2); short protein forms R11K.
Identifiers: ClinVar variation 2158642 (VCV002158642.5), dbSNP rs201573102, ClinGen allele CA6051255.

ClinVar aggregate classification (germline): Uncertain significance. Review status: criteria provided, multiple submitters, no conflicts (2 of 4 stars). 2 submissions from 2 submitters: Uncertain significance (2). Last evaluated 2024-04-24.

Conditions:
Polycystic kidney disease 3 with or without polycystic liver disease. Also called: Polycystic kidney disease 3; POLYCYSTIC KIDNEY DISEASE, ADULT, TYPE III; Polycystic Kidney and/or Polycystic Liver Disease 3. Identifiers: MedGen C3887964, MONDO:0010916, OMIM 600666.

Allele frequency attached by ClinVar (database versions not stated): TOPMed below 0.00001; ExAC 0.00001.
gnomAD v4.1: 5 of 1,613,704 alleles (0.00031%); highest among the groups gnomAD compares: East Asian, 0.0045%; no homozygotes.

Submissions (2):

Fulgent Genetics
Classification: Uncertain significance for Polycystic kidney disease 3 with or without polycystic liver disease. Last evaluated: 2024-04-24. Review status: criteria provided, single submitter. Criteria: ACMG Guidelines, 2015. Collection method: clinical testing. Allele origin: germline.

Labcorp Genetics (formerly Invitae), Labcorp
Classification: Uncertain significance. Last evaluated: 2023-12-07. Review status: criteria provided, single submitter. Criteria: Invitae Variant Classification Sherloc (09022015). Collection method: clinical testing. Allele origin: germline.
Comment: This sequence change replaces arginine, which is basic and polar, with lysine, which is basic and polar, at codon 11 of the GANAB protein (p.Arg11Lys). This variant is present in population databases (rs201573102, gnomAD 0.0009%). This variant has not been reported in the literature in individuals affected with GANAB-related conditions. ClinVar contains an entry for this variant (Variation ID: 2158642). Experimental studies and prediction algorithms are not available or were not evaluated, and the functional significance of this variant is currently unknown. In summary, the available evidence is currently insufficient to determine the role of this variant in disease. Therefore, it has been classified as a Variant of Uncertain Significance.